The following is an entry in ClinVar:

ClinVar aggregate classification (germline): Uncertain significance. Review status: criteria provided, multiple submitters, no conflicts (2 of 4 stars). 2 submissions from 2 submitters: Uncertain significance (2). Last evaluated 2025-11-25.

Conditions:
Hereditary cancer-predisposing syndrome. Also called: Hereditary Cancer Syndrome; Hereditary neoplastic syndrome; Neoplastic Syndromes, Hereditary; Tumor predisposition. Identifiers: Orphanet 140162, MedGen C0027672, MeSH D009386, MONDO:0015356.
Familial adenomatous polyposis 1 (FAP1). Also called: FAMILIAL ADENOMATOUS POLYPOSIS 1, ATTENUATED; POLYPOSIS, ADENOMATOUS INTESTINAL. Identifiers: MedGen C2713442, MONDO:0021056, OMIM 175100. Disease mechanism: loss of function.

Submissions (2):

Ambry Genetics
Classification: Uncertain significance for Hereditary cancer-predisposing syndrome. Last evaluated: 2025-11-25. Review status: criteria provided, single submitter. Criteria: Ambry Variant Classification Scheme 2023. Collection method: clinical testing. Allele origin: germline.
Comment: The p.S1970N variant (also known as c.5909G>A), located in coding exon 15 of the APC gene, results from a G to A substitution at nucleotide position 5909. The serine at codon 1970 is replaced by asparagine, an amino acid with highly similar properties. This amino acid position is conserved. In addition, in silico predictors for this gene do not accurately predict pathogenicity. Missense variants in APC are not a common cause of disease (Spier I et al. Genet Med. 2024 Feb;26(2):100992). Since supporting evidence is limited at this time, the clinical significance of this alteration remains unclear.

Labcorp Genetics (formerly Invitae), Labcorp
Classification: Uncertain significance for Familial adenomatous polyposis 1. Last evaluated: 2024-06-03. Review status: criteria provided, single submitter. Criteria: Invitae Variant Classification Sherloc (09022015). Collection method: clinical testing. Allele origin: germline.
Comment: This sequence change replaces serine, which is neutral and polar, with asparagine, which is neutral and polar, at codon 1970 of the APC protein (p.Ser1970Asn). This variant is not present in population databases (gnomAD no frequency). This variant has not been reported in the literature in individuals affected with APC-related conditions. ClinVar contains an entry for this variant (Variation ID: 1750432). Advanced modeling of protein sequence and biophysical properties (such as structural, functional, and spatial information, amino acid conservation, physicochemical variation, residue mobility, and thermodynamic stability) performed at Invitae indicates that this missense variant is not expected to disrupt APC protein function with a negative predictive value of 95%. In summary, the available evidence is currently insufficient to determine the role of this variant in disease. Therefore, it has been classified as a Variant of Uncertain Significance.

NM_000038.6(APC):c.5909G>A (p.Ser1970Asn)

Gene: APC (APC regulator of Wnt signaling pathway; plus strand). Cytogenetic location: 5q22.2.
Variant type: single nucleotide variant.
Coding change: c.5909G>A on transcript NM_000038.6 (MANE Select); coding-DNA position 5909, G replaced by A.
Protein change: p.Ser1970Asn; replaces serine 1970 with asparagine.
Molecular consequence: missense variant.
Genome position (GRCh38, 1-based): chr5:112,841,503, G>A. VCF-style: chr5-112841503-G-A. GRCh37 (hg19) VCF-style: chr5-112177200-G-A.
Other names: c.5660G>A, p.Ser1887Asn (NM_001407455.1, NM_001407456.1, NM_001407457.1 and 1 more transcripts); c.5606G>A, p.Ser1869Asn (NM_001407458.1, NM_001407459.1, NM_001407460.1 and 1 more transcripts); c.5522G>A, p.Ser1841Asn (NM_001407467.1, NM_001407469.1); c.5060G>A, p.Ser1687Asn (NM_001407470.1, NM_001354906.2); c.4757G>A, p.Ser1586Asn (NM_001407471.1, NM_001407472.1); c.5909G>A, p.Ser1970Asn (NM_001127510.3, NM_001354895.2, NM_001407450.1); c.5855G>A, p.Ser1952Asn (NM_001127511.3); c.5963G>A, p.Ser1988Asn (NM_001354896.2, NM_001407447.1, NM_001407448.1 and 1 more transcripts); and 11 more; short protein forms S1963N, S1687N, S1879N, S1952N, S1844N, S1869N, S1988N, S1998N.
Identifiers: ClinVar variation 1750432 (VCV001750432.8), dbSNP rs753781948, ClinGen allele CA16034259.